The following is an entry in ClinVar:

NM_017617.5(NOTCH1):c.6503G>C (p.Cys2168Ser)

Gene: NOTCH1 (notch receptor 1; minus strand). Cytogenetic location: 9q34.3.
Variant type: single nucleotide variant.
Coding change: c.6503G>C on transcript NM_017617.5 (MANE Select); coding-DNA position 6503, G replaced by C.
Protein change: p.Cys2168Ser; replaces cysteine 2168 with serine.
Molecular consequence: missense variant.
Genome position (GRCh38, 1-based): chr9:136,497,236, C>G on the plus strand (G>C on the coding strand, the complement: NOTCH1 is on the minus strand). VCF-style: chr9-136497236-C-G. GRCh37 (hg19) VCF-style: chr9-139391688-C-G.
Other names: short protein forms C2168S.
Identifiers: ClinVar variation 2717548 (VCV002717548.3), dbSNP rs1055326153, ClinGen allele CA375631473.
Genomic context (GRCh38, chr9:136,497,236, plus strand): 5'-CCCTTGCCGTCCTGGGACTTCTTCCTCCGTGCCTTGAGGTCCTTGGCCTCCTTGCTTCCA[C>G]AGGCCAGGCCTTTGCTGCTGGGCTTGCGGACCTTCTTGCCCTGCACGCCGGGCTTGAGGC-3'
Protein context (NP_060087.3, residues 2158-2178): VRKPSSKGLA[Cys2168Ser]GSKEAKDLKA

ClinVar aggregate classification (germline): Uncertain significance (1 of 4 stars; one submission).

Conditions:
Adams-Oliver syndrome 5 (AOS5). Identifiers: Orphanet 974, MedGen C4014970, MONDO:0014459, OMIM 616028.

Submission:

Labcorp Genetics (formerly Invitae), Labcorp
Classification: Uncertain significance for Adams-Oliver syndrome 5. Last evaluated: 2023-12-03. Review status: criteria provided, single submitter. Criteria: Invitae Variant Classification Sherloc (09022015). Collection method: clinical testing. Allele origin: germline.
Comment: This sequence change replaces cysteine, which is neutral and slightly polar, with serine, which is neutral and polar, at codon 2168 of the NOTCH1 protein (p.Cys2168Ser). This variant is not present in population databases (gnomAD no frequency). This variant has not been reported in the literature in individuals affected with NOTCH1-related conditions. Advanced modeling of protein sequence and biophysical properties (such as structural, functional, and spatial information, amino acid conservation, physicochemical variation, residue mobility, and thermodynamic stability) performed at Invitae indicates that this missense variant is not expected to disrupt NOTCH1 protein function with a negative predictive value of 95%. In summary, the available evidence is currently insufficient to determine the role of this variant in disease. Therefore, it has been classified as a Variant of Uncertain Significance.